The following is an entry in ClinVar:

ClinVar aggregate classification (germline): Likely pathogenic (0 of 4 stars; one submission).

Conditions:
Autism spectrum disorder. Also called: Autism spectrum disorders. Identifiers: MedGen C1510586, MeSH D000067877, MONDO:0005258.

Submission:

Department of Medical Genetics, Capital Institute of Pediatrics
Classification: Likely pathogenic for Autism Spectrum Disorder. Last evaluated: 2024-07-03. Review status: no assertion criteria provided. Collection method: research. Allele origin: de novo. Affected: yes.
Comment: PM2_Supporting+PS2

Literature cited by the submitters: PubMed 39419027.

NM_001039469.3(MARK2):c.2291G>C (p.Arg764Pro)

Gene: MARK2 (microtubule affinity regulating kinase 2; plus strand). Cytogenetic location: 11q13.1.
Variant type: single nucleotide variant.
Coding change: c.2291G>C on transcript NM_001039469.3 (MANE Select); coding-DNA position 2291, G replaced by C.
Protein change: p.Arg764Pro; replaces arginine 764 with proline.
Molecular consequence: missense variant.
Genome position (GRCh38, 1-based): chr11:63,909,161, G>C. VCF-style: chr11-63909161-G-C. GRCh37 (hg19) VCF-style: chr11-63676633-G-C.
Other names: c.2084G>C, p.Arg695Pro (NM_001163296.2); c.2054G>C, p.Arg685Pro (NM_001163297.2); c.2099G>C, p.Arg700Pro (NM_004954.5); c.2162G>C, p.Arg721Pro (NM_017490.4); short protein forms R685P, R695P, R700P, R721P, R764P.
Identifiers: ClinVar variation 3253642 (VCV003253642.2), dbSNP rs2539350612.